The following is an entry in ClinVar:

ClinVar aggregate classification (germline): Uncertain significance (1 of 4 stars; one submission).

Conditions:
Inborn genetic diseases. Identifiers: MedGen C0950123, MeSH D030342.

Submission:

Ambry Genetics
Classification: Uncertain significance for Inborn genetic diseases. Last evaluated: 2019-03-22. Review status: criteria provided, single submitter. Criteria: Ambry Variant Classification Scheme 2023. Collection method: clinical testing. Allele origin: germline.
Comment: The p.F116I variant (also known as c.346T>A), located in coding exon 5 of the DDX3X gene, results from a T to A substitution at nucleotide position 346. The phenylalanine at codon 116 is replaced by isoleucine, an amino acid with highly similar properties. This amino acid position is highly conserved in available vertebrate species. In addition, this alteration is predicted to be tolerated by in silico analysis. Since supporting evidence is limited at this time, the clinical significance of this alteration remains unclear.

NM_001356.5(DDX3X):c.346T>A (p.Phe116Ile)

Gene: DDX3X (DEAD-box helicase 3 X-linked; plus strand). Cytogenetic location: Xp11.4.
Variant type: single nucleotide variant.
Coding change: c.346T>A on transcript NM_001356.5 (MANE Select); coding-DNA position 346, T replaced by A.
Protein change: p.Phe116Ile; replaces phenylalanine 116 with isoleucine.
Molecular consequence: missense variant. On other transcripts: 5 prime UTR variant (1), non-coding transcript variant (1).
Genome position (GRCh38, 1-based): chrX:41,342,556, T>A. VCF-style: chrX-41342556-T-A. GRCh37 (hg19) VCF-style: chrX-41201809-T-A.
Other names: c.346T>A, p.Phe116Ile (NM_001193416.3); c.298T>A, p.Phe100Ile (NM_001193417.3); c.-213T>A (NM_001363819.1); short protein forms F116I, F100I.
Identifiers: ClinVar variation 1731725 (VCV001731725.2), dbSNP rs2519508739, ClinGen allele CA412765938.